The following is an entry in ClinVar:

NM_022114.4(PRDM16):c.2479G>A (p.Val827Ile)

Gene: PRDM16 (PR/SET domain 16; plus strand). Cytogenetic location: 1p36.32.
Variant type: single nucleotide variant.
Coding change: c.2479G>A on transcript NM_022114.4 (MANE Select); coding-DNA position 2479, G replaced by A.
Protein change: p.Val827Ile; replaces valine 827 with isoleucine.
Molecular consequence: missense variant.
Genome position (GRCh38, 1-based): chr1:3,412,676, G>A. VCF-style: chr1-3412676-G-A. GRCh37 (hg19) VCF-style: chr1-3329240-G-A.
Other names: c.2479G>A, p.Val827Ile (NM_199454.3); short protein forms V827I.
Identifiers: ClinVar variation 3218396 (VCV003218396.3), dbSNP rs776201909, ClinGen allele CA544489.
Genomic context (GRCh38, chr1:3,412,676, plus strand): 5'-ATCGGCAGCCGGGCCCGTGCCAGCCAAAACGGCGGCGGGCGGGAGCCCCGCAAGAACCAC[G>A]TCTATGGGGAACGCAAGCTGGGCGCCGGCGAGGGGCTGCCCCAGGTGTGCCCGGCGCGGA-3'
Protein context (NP_071397.3, residues 817-837): GGGREPRKNH[Val827Ile]YGERKLGAGE

ClinVar aggregate classification (germline): Conflicting classifications of pathogenicity. Review status: criteria provided, conflicting classifications (1 of 4 stars). 2 submissions from 2 submitters: Uncertain significance (1); Likely benign (1). Last evaluated 2025-12-01.

Conditions:
Inborn genetic diseases. Identifiers: MedGen C0950123, MeSH D030342.
Left ventricular noncompaction 8 (LVNC8). Identifiers: Orphanet 154, Orphanet 54260, MedGen C3809288, MONDO:0014152, OMIM 615373.

Allele frequency attached by ClinVar (database versions not stated): TOPMed below 0.00001; gnomAD exomes 0.00001; gnomAD 0.00002.

Submissions (2):

Labcorp Genetics (formerly Invitae), Labcorp
Classification: Uncertain significance for Left ventricular noncompaction 8. Last evaluated: 2025-12-01. Review status: criteria provided, single submitter. Criteria: Invitae Variant Classification Sherloc (09022015). Collection method: clinical testing. Allele origin: germline.
Comment: This sequence change replaces valine, which is neutral and non-polar, with isoleucine, which is neutral and non-polar, at codon 827 of the PRDM16 protein (p.Val827Ile). This variant is not present in population databases (gnomAD no frequency). This variant has not been reported in the literature in individuals affected with PRDM16-related conditions. ClinVar contains an entry for this variant (Variation ID: 3218396). An algorithm developed to predict the effect of missense changes on protein structure and function outputs the following: PolyPhen-2: "Benign". The isoleucine amino acid residue is found in multiple mammalian species, which suggests that this missense change does not adversely affect protein function. In summary, the available evidence is currently insufficient to determine the role of this variant in disease. Therefore, it has been classified as a Variant of Uncertain Significance.

Ambry Genetics
Classification: Likely benign for Inborn genetic diseases. Last evaluated: 2023-12-18. Review status: criteria provided, single submitter. Criteria: Ambry Variant Classification Scheme 2023. Collection method: clinical testing. Allele origin: germline.